The following is an entry in ClinVar:

ClinVar aggregate classification (germline): Pathogenic (1 of 4 stars; one submission).

Submission:

GeneDx
Classification: Pathogenic. Last evaluated: 2014-05-16. Review status: criteria provided, single submitter. Criteria: GeneDx Variant Classification (06012015). Collection method: clinical testing. Allele origin: germline. Affected: yes.
Comment: c.146+2_146+3delTG: IVS3+2_+3delTG in intron 3 of the SLC25A22 gene (NM_024698.5). Using uppercase to denote exonic nucleotides and lowercase to denote intronic nucleotides, the normal sequence with the bases that are deleted in braces is: CATg{tg}agtg. The c.146+2_+3delTG mutation in the SLC25A22 gene destroys the canonical splice donor site in intron 3. It is predicted to cause abnormal gene splicing, either leading to an abnormal message that is subject to nonsense-mediated mRNA decay, or to an abnormal protein product if the message is used for protein translation. Although this mutation has not been previously reported to our knowledge, it is considered a disease-causing mutation. The variant is found in EPILEPSY panel(s).

NM_001191061.2(SLC25A22):c.146+2_146+3del

Gene: SLC25A22 (solute carrier family 25 member 22; minus strand). Cytogenetic location: 11p15.5.
Variant type: Microsatellite.
Coding change: c.146+2_146+3del on transcript NM_001191061.2 (MANE Select); the canonical splice donor site of the intron after coding-DNA position 146 through 3 bases into the intron after coding-DNA position 146, 2 bases deleted (TG; older notation c.146+2_146+3delTG).
Molecular consequence: splice donor variant.
Genome position (GRCh38, 1-based): chr11:794,773-794,774, CA deleted on the plus strand (TG on the coding strand, the reverse complement: SLC25A22 is on the minus strand); deleting any 2 consecutive bases within chr11:794,773-794,776 gives the same sequence; the c. name uses the placement nearest the transcript's 3' end. VCF-style (leftmost placement, unchanged base first): chr11-794772-TCA-T. GRCh37 (hg19) VCF-style: chr11-794772-TCA-T.
Other names: c.146+2_146+3del (NM_001191060.2, NM_024698.6); c.146+2_146+3delTG (NM_024698.5).
Identifiers: ClinVar variation 207163 (VCV000207163.1), dbSNP rs796053238, ClinGen allele CA318369.